The following is an entry in ClinVar:

NM_001985.3(ETFB):c.293G>A (p.Arg98His)

Gene: ETFB (electron transfer flavoprotein subunit beta; minus strand). Cytogenetic location: 19q13.41.
Variant type: single nucleotide variant.
Coding change: c.293G>A on transcript NM_001985.3 (MANE Select); coding-DNA position 293, G replaced by A.
Protein change: p.Arg98His; replaces arginine 98 with histidine.
Molecular consequence: missense variant.
Genome position (GRCh38, 1-based): chr19:51,353,214, C>T on the plus strand (G>A on the coding strand, the complement: ETFB is on the minus strand). VCF-style: chr19-51353214-C-T. GRCh37 (hg19) VCF-style: chr19-51856468-C-T.
Other names: c.566G>A, p.Arg189His (NM_001014763.1); c.293G>A (NM_001985.2); short protein forms R189H, R98H.
Identifiers: ClinVar variation 1441019 (VCV001441019.6), dbSNP rs761063406, ClinGen allele CA9610802.

ClinVar aggregate classification (germline): Uncertain significance. Review status: criteria provided, multiple submitters, no conflicts (2 of 4 stars). 2 submissions from 2 submitters: Uncertain significance (2). Last evaluated 2025-12-08.

Conditions:
Multiple acyl-CoA dehydrogenase deficiency (MADD). Also called: Glutaric acidemia type II; GA 2; Glutaric Acidemia type 2; ETHYLMALONIC-ADIPICACIDURIA; GA II; Glutaric aciduria, type 2. Identifiers: Orphanet 26791, MedGen C0268596, MONDO:0009282, OMIM 231680.
Inborn genetic diseases. Identifiers: MedGen C0950123, MeSH D030342.

Allele frequency attached by ClinVar (database versions not stated): gnomAD exomes below 0.00001 and 0.00001; ExAC 0.00001; gnomAD 0.00001; TOPMed 0.00001.
gnomAD v4.1: 14 of 1,613,986 alleles (0.00087%); highest among the groups gnomAD compares: Non-Finnish European, 0.001%; no homozygotes.

Submissions (2):

Ambry Genetics
Classification: Uncertain significance for Inborn genetic diseases. Last evaluated: 2025-12-08. Review status: criteria provided, single submitter. Criteria: Ambry Variant Classification Scheme 2023. Collection method: clinical testing. Allele origin: germline.

Labcorp Genetics (formerly Invitae), Labcorp
Classification: Uncertain significance for Multiple acyl-CoA dehydrogenase deficiency. Last evaluated: 2022-06-11. Review status: criteria provided, single submitter. Criteria: Invitae Variant Classification Sherloc (09022015). Collection method: clinical testing. Allele origin: germline.
Comment: This sequence change replaces arginine, which is basic and polar, with histidine, which is basic and polar, at codon 98 of the ETFB protein (p.Arg98His). This variant is present in population databases (rs761063406, gnomAD 0.0009%). This variant has not been reported in the literature in individuals affected with ETFB-related conditions. Algorithms developed to predict the effect of missense changes on protein structure and function output the following: SIFT: "Tolerated"; PolyPhen-2: "Benign"; Align-GVGD: "Class C0". The histidine amino acid residue is found in multiple mammalian species, which suggests that this missense change does not adversely affect protein function. In summary, the available evidence is currently insufficient to determine the role of this variant in disease. Therefore, it has been classified as a Variant of Uncertain Significance.